The following is an entry in ClinVar:

ClinVar aggregate classification (germline): Uncertain significance. Review status: criteria provided, multiple submitters, no conflicts (2 of 4 stars). 2 submissions from 2 submitters: Uncertain significance (2). Last evaluated 2025-10-02.

Conditions:
Microangiopathy and leukoencephalopathy, pontine, autosomal dominant. Also called: DEMENTIA, HEREDITARY MULTI-INFARCT, SWEDISH TYPE; Pontine autosomal dominant microangiopathy with leukoencephalopathy. Identifiers: Orphanet 477749, MedGen C5231411, MONDO:0032814, OMIM 618564.
Autosomal dominant familial hematuria-retinal arteriolar tortuosity-contractures syndrome. Also called: Angiopathy, hereditary, with nephropathy, aneurysms, and muscle cramps; Hereditary Angiopathy with Nephropathy, Aneurysms, and Muscle Cramps (HANAC) Syndrome. Identifiers: Orphanet 73229, MedGen C2673195, MONDO:0012726, OMIM 611773.
Brain small vessel disease 1 with or without ocular anomalies (BSVD1). Also called: PORENCEPHALY, TYPE 1, AUTOSOMAL DOMINANT; GOULD SYNDROME 1; Brain small vessel disease with or without ocular anomalies; BRAIN SMALL VESSEL DISEASE WITH HEMORRHAGE. Identifiers: Orphanet 2940, Orphanet 36383, Orphanet 99810, MedGen C4755307, MONDO:0008289, OMIM 175780.

Allele frequency attached by ClinVar (database versions not stated): gnomAD exomes below 0.00001; TOPMed below 0.00001; ExAC 0.00002.
gnomAD v4.1: 7 of 1,614,112 alleles (0.00043%); highest among the groups gnomAD compares: East Asian, 0.0022%; no homozygotes.

Submissions (2):

Labcorp Genetics (formerly Invitae), Labcorp
Classification: Uncertain significance. Last evaluated: 2025-10-02. Review status: criteria provided, single submitter. Criteria: Invitae Variant Classification Sherloc (09022015). Collection method: clinical testing. Allele origin: germline.
Comment: This sequence change replaces valine, which is neutral and non-polar, with methionine, which is neutral and non-polar, at codon 1560 of the COL4A1 protein (p.Val1560Met). This variant is present in population databases (rs754511803, gnomAD 0.007%). This missense change has been observed in individual(s) with clinical features of COL4A1-related conditions (PMID: 31719132). ClinVar contains an entry for this variant (Variation ID: 2175510). Invitae Evidence Modeling of protein sequence and biophysical properties (such as structural, functional, and spatial information, amino acid conservation, physicochemical variation, residue mobility, and thermodynamic stability) indicates that this missense variant is not expected to disrupt COL4A1 protein function with a negative predictive value of 80%. In summary, the available evidence is currently insufficient to determine the role of this variant in disease. Therefore, it has been classified as a Variant of Uncertain Significance.

3billion
Classification: Uncertain significance for Brain small vessel disease 1 with or without ocular anomalies; Autosomal dominant familial hematuria-retinal arteriolar tortuosity-contractures syndrome; Microangiopathy and leukoencephalopathy, pontine, autosomal dominant. Last evaluated: 2024-02-16. Review status: criteria provided, single submitter. Criteria: ACMG Guidelines, 2015. Collection method: clinical testing. Allele origin: germline. Affected: yes.
Comment: The variant is observed at an extremely low frequency in the gnomAD v2.1.1 dataset (total allele frequency: <0.001%). Predicted Consequence/Location: Missense changes are a common disease-causing mechanism. In silico tool predictions suggest damaging effect of the variant on gene or gene product [REVEL: 0.81 (>=0.6, sensitivity 0.68 and specificity 0.92)]. Therefore, this variant is classified as VUS according to the recommendation of ACMG/AMP guideline.

Literature cited by the submitters: PubMed 31719132 (cited by Labcorp Genetics (formerly Invitae), Labcorp).

NM_001845.6(COL4A1):c.4678G>A (p.Val1560Met)

Gene: COL4A1 (collagen type IV alpha 1 chain; minus strand). Cytogenetic location: 13q34.
Variant type: single nucleotide variant.
Coding change: c.4678G>A on transcript NM_001845.6 (MANE Select); coding-DNA position 4678, G replaced by A.
Protein change: p.Val1560Met; replaces valine 1560 with methionine.
Molecular consequence: missense variant.
Genome position (GRCh38, 1-based): chr13:110,155,360, C>T on the plus strand (G>A on the coding strand, the complement: COL4A1 is on the minus strand). VCF-style: chr13-110155360-C-T. GRCh37 (hg19) VCF-style: chr13-110807707-C-T.
Other names: short protein forms V1560M.
Identifiers: ClinVar variation 2175510 (VCV002175510.5), dbSNP rs754511803, ClinGen allele CA7046847.